The following is an entry in ClinVar:

ClinVar aggregate classification (germline): Uncertain significance (1 of 4 stars; one submission).

Conditions:
Inborn genetic diseases. Identifiers: MedGen C0950123, MeSH D030342.

Submission:

Ambry Genetics
Classification: Uncertain significance for Inborn genetic diseases. Last evaluated: 2025-09-10. Review status: criteria provided, single submitter. Criteria: Ambry Variant Classification Scheme 2023. Collection method: clinical testing. Allele origin: germline.
Comment: The p.P1202A variant (also known as c.3604C>G), located in coding exon 33 of the RTEL1 gene, results from a C to G substitution at nucleotide position 3604. The proline at codon 1202 is replaced by alanine, an amino acid with highly similar properties. This amino acid position is conserved. In addition, this alteration is predicted to be tolerated by in silico analysis. Based on the available evidence, the clinical significance of this variant remains unclear.

NM_001283009.2(RTEL1):c.3604C>G (p.Pro1202Ala)

Genes: RTEL1 (regulator of telomere elongation helicase 1; plus strand), RTEL1-TNFRSF6B (RTEL1-TNFRSF6B readthrough (NMD candidate); plus strand). Cytogenetic location: 20q13.33.
Variant type: single nucleotide variant.
Coding change: c.3604C>G on transcript NM_001283009.2 (MANE Select); coding-DNA position 3604, C replaced by G.
Protein change: p.Pro1202Ala; replaces proline 1202 with alanine.
Molecular consequence: missense variant. On other transcripts: non-coding transcript variant (1).
Genome position (GRCh38, 1-based): chr20:63,695,432, C>G. VCF-style: chr20-63695432-C-G. GRCh37 (hg19) VCF-style: chr20-62326785-C-G.
Other names: c.2935C>G, p.Pro979Ala (NM_001283010.1); c.3604C>G, p.Pro1202Ala (NM_016434.4); c.3676C>G, p.Pro1226Ala (NM_032957.5); short protein forms P979A, P1202A, P1226A.
Identifiers: ClinVar variation 4157729 (VCV004157729.1).